The following is an entry in ClinVar:

NM_022168.4(IFIH1):c.838A>G (p.Met280Val)

Gene: IFIH1 (interferon induced with helicase C domain 1; minus strand). Cytogenetic location: 2q24.2.
Variant type: single nucleotide variant.
Coding change: c.838A>G on transcript NM_022168.4 (MANE Select); coding-DNA position 838, A replaced by G.
Protein change: p.Met280Val; replaces methionine 280 with valine.
Molecular consequence: missense variant.
Genome position (GRCh38, 1-based): chr2:162,293,600, T>C on the plus strand (A>G on the coding strand, the complement: IFIH1 is on the minus strand). VCF-style: chr2-162293600-T-C. GRCh37 (hg19) VCF-style: chr2-163150110-T-C.
Other names: short protein forms M280V.
Identifiers: ClinVar variation 3753641 (VCV003753641.2).

ClinVar aggregate classification (germline): Uncertain significance (1 of 4 stars; one submission).

Conditions:
Singleton-Merten syndrome 1 (SGMRT1). Also called: Widened medullary cavities of bone, aortic calcification, abnormal dentition, and muscular weakness; Syndrome of widened medullary cavities of the metacarpals and phalanges, aortic calcification and abnormal dentition. Identifiers: Orphanet 85191, MedGen C4225427, MONDO:0024535, OMIM 182250.
Aicardi-Goutieres syndrome 7 (AGS7). Identifiers: Orphanet 51, MedGen C3888244, MONDO:0014367, OMIM 615846.

gnomAD v4.1: 1 of 1,611,834 alleles (0.000062%); highest among the groups gnomAD compares: Non-Finnish European, 0.000085%; no homozygotes.

Submission:

Labcorp Genetics (formerly Invitae), Labcorp
Classification: Uncertain significance for Aicardi-Goutieres syndrome 7; Singleton-Merten syndrome 1. Last evaluated: 2024-12-21. Review status: criteria provided, single submitter. Criteria: Invitae Variant Classification Sherloc (09022015). Collection method: clinical testing. Allele origin: germline.
Comment: This sequence change replaces methionine, which is neutral and non-polar, with valine, which is neutral and non-polar, at codon 280 of the IFIH1 protein (p.Met280Val). This variant is not present in population databases (gnomAD no frequency). This variant has not been reported in the literature in individuals affected with IFIH1-related conditions. Invitae Evidence Modeling of protein sequence and biophysical properties (such as structural, functional, and spatial information, amino acid conservation, physicochemical variation, residue mobility, and thermodynamic stability) has been performed for this missense variant. However, the output from this modeling did not meet the statistical confidence thresholds required to predict the impact of this variant on IFIH1 protein function. In summary, the available evidence is currently insufficient to determine the role of this variant in disease. Therefore, it has been classified as a Variant of Uncertain Significance.